The following is an entry in ClinVar:

NM_001371279.1(REEP1):c.303+2T>C

Gene: REEP1 (receptor accessory protein 1; minus strand). Cytogenetic location: 2p11.2.
Variant type: single nucleotide variant.
Coding change: c.303+2T>C on transcript NM_001371279.1 (MANE Select); the canonical splice donor site of the intron after coding-DNA position 303, T replaced by C.
Molecular consequence: splice donor variant. On other transcripts: intron variant (1).
Genome position (GRCh38, 1-based): chr2:86,254,692, A>G on the plus strand (T>C on the coding strand, the complement: REEP1 is on the minus strand). VCF-style: chr2-86254692-A-G. GRCh37 (hg19) VCF-style: chr2-86481815-A-G.
Other names: c.324+2T>C (NM_001164730.2); c.222+2T>C (NM_001164731.2); c.182+9273T>C (NM_001164732.2); c.303+2T>C (NM_001371280.1, NM_022912.3, NM_001410855.1 and 1 more transcripts).
Identifiers: ClinVar variation 973735 (VCV000973735.3), dbSNP rs1676453652, ClinGen allele CA347716881.

ClinVar aggregate classification (germline): Pathogenic (1 of 4 stars; one submission).

Conditions:
Hereditary spastic paraplegia 31. Also called: SPASTIC PARAPLEGIA 31, AUTOSOMAL DOMINANT. Identifiers: Orphanet 101011, MedGen C1853247, MONDO:0012453, OMIM 610250.

Submission:

Laboratory of Genomics, College of Natural Sciences, Kyungpook National University
Classification: Pathogenic for Spastic paraplegia 31, autosomal dominant. Last evaluated: 2019-10-31. Review status: criteria provided, single submitter. Criteria: ACMG Guidelines, 2015. Collection method: research. Allele origin: germline. Inheritance: Autosomal dominant inheritance. Affected: yes. Observed: 5 variant alleles, 5 heterozygotes.
Comment: The NM_022912.3:c.303+2T>C variants in REEP1 gene has been segregated with disease. We identified autosomal dominant inheritance pattern of this variant in Korean family by using WES & Sanger sequencing. Affected members had hyperactive DTRs and spasticity in the lower extremities. In addition, some of affected members had foot deformities.